The following is an entry in ClinVar:

NM_002755.4(MAP2K1):c.1137C>T (p.Ile379=)

Genes: MAP2K1 (mitogen-activated protein kinase kinase 1; plus strand), SNAPC5 (small nuclear RNA activating complex polypeptide 5; minus strand). Cytogenetic location: 15q22.31.
Variant type: single nucleotide variant.
Coding change: c.1137C>T on transcript NM_002755.4 (MANE Select); coding-DNA position 1137, C replaced by T.
Protein change: p.Ile379=; no amino-acid change (isoleucine 379 retained).
Molecular consequence: synonymous variant. On other transcripts: 3 prime UTR variant (1), non-coding transcript variant (1).
Genome position (GRCh38, 1-based): chr15:66,490,570, C>T. VCF-style: chr15-66490570-C-T. GRCh37 (hg19) VCF-style: chr15-66782908-C-T.
Other names: p.I379I; NM_002755.3(MAP2K1):c.1137C>T; c.*169G>A (NM_006049.4); c.993C>T, p.Ile331= (NM_001411065.1).
Identifiers: ClinVar variation 40762 (VCV000040762.50), dbSNP rs150841154, ClinGen allele CA134592.

ClinVar aggregate classification (germline): Benign. Review status: reviewed by expert panel (3 of 4 stars). 11 submissions from 11 submitters: Benign (1). 10 of the submissions do not count toward it. Last evaluated 2017-05-09.

Conditions:
MAP2K1-related disorder. Also called: MAP2K1-related disorders; MAP2K1-related condition.
Noonan syndrome and Noonan-related syndrome. Identifiers: Orphanet 98733, MedGen C5681679, MONDO:0020297.
Cardiovascular phenotype. Identifiers: MedGen CN230736.
RASopathy. Also called: rasopathies; Noonan spectrum disorder. Identifiers: Orphanet 536391, MedGen C5555857, MONDO:0021060.

Allele frequency attached by ClinVar (database versions not stated): TOPMed 0.00135; 1000 Genomes Project 0.00140; 1000 Genomes Project 30x 0.00141; gnomAD 0.00103 and 0.00096; gnomAD exomes 0.00020 and 0.00037; ExAC 0.00039; ESP Exome Variant Server 0.00092.
gnomAD v4.1: 468 of 1,614,206 alleles (0.029%); highest among the groups gnomAD compares: African/African-American, 0.36%; 1 homozygote.

Submissions (11):

ClinGen RASopathy Variant Curation Expert Panel
Classification: Benign for Noonan syndrome and Noonan-related syndrome. Last evaluated: 2017-05-09. Review status: reviewed by expert panel. Criteria: ClinGen RASopathy ACMG Specifications v1. Collection method: curation. Allele origin: germline. Inheritance: Autosomal dominant inheritance.
Comment: The filtering allele frequency of the c.1137C>T (p.Ile379=) variant in the MAP2K1 gene is 0.175% (26/10406) of African chromosomes by the Exome Aggregation Consortium, which is a high enough frequency to be classified as benign based on thresholds defined by the ClinGen RASopathy Expert Panel (BA1; PMID:29493581)

Labcorp Genetics (formerly Invitae), Labcorp
Classification: Benign for RASopathy. Last evaluated: 2026-02-01. Review status: criteria provided, single submitter. Criteria: Invitae Variant Classification Sherloc (09022015). Collection method: clinical testing. Allele origin: germline. Not counted in ClinVar's aggregate classification.

Blueprint Genetics
Classification: Likely benign. Last evaluated: 2024-09-16. Review status: criteria provided, single submitter. Criteria: ACMG Guidelines, 2015. Collection method: clinical testing. Allele origin: germline. Not counted in ClinVar's aggregate classification.

CeGaT Center for Human Genetics Tuebingen
Classification: Benign. Last evaluated: 2023-08-01. Review status: criteria provided, single submitter. Criteria: CeGaT Center For Human Genetics Tuebingen Variant Classification Criteria Version 2. Collection method: clinical testing. Allele origin: germline. Affected: yes. Observed: 1 variant allele. Not counted in ClinVar's aggregate classification.
Comment: MAP2K1: BS1, BS2

Ambry Genetics
Classification: Likely benign for Cardiovascular phenotype. Last evaluated: 2022-03-06. Review status: criteria provided, single submitter. Criteria: Ambry Variant Classification Scheme 2023. Collection method: clinical testing. Allele origin: germline. Not counted in ClinVar's aggregate classification.

Mayo Clinic Laboratories, Mayo Clinic
Classification: Benign. Last evaluated: 2020-02-25. Review status: criteria provided, single submitter. Criteria: ACMG Guidelines, 2015. Collection method: clinical testing. Allele origin: germline. Observed: 3 variant alleles. Not counted in ClinVar's aggregate classification.

Genome Diagnostics Laboratory, The Hospital for Sick Children
Classification: Likely benign for Noonan syndrome and Noonan-related syndrome. Last evaluated: 2017-12-01. Review status: criteria provided, single submitter. Criteria: ACMG Guidelines, 2015. Collection method: clinical testing. Allele origin: germline. Not counted in ClinVar's aggregate classification.

GeneDx
Classification: Benign. Last evaluated: 2015-03-03. Review status: criteria provided, single submitter. Criteria: GeneDx Variant Classification Process June 2021. Collection method: clinical testing. Allele origin: germline. Affected: yes. Not counted in ClinVar's aggregate classification.

Laboratory for Molecular Medicine, Mass General Brigham Personalized Medicine
Classification: Benign. Last evaluated: 2012-07-26. Review status: criteria provided, single submitter. Criteria: LMM Criteria. Collection method: clinical testing. Allele origin: germline. Observed: 4 variant alleles. Not counted in ClinVar's aggregate classification.
Comment: Ile379Ile in Exon 11 of MEK1: This variant is not expected to have clinical sign ificance because it does not alter an amino acid residue, is not located within the splice consensus sequence and has been identified in 0.3% (12/3738) of Afric an American chromosomes from a broad population by the NHLBI Exome Sequencing Pr oject (dbSNP rs150841154).

Breakthrough Genomics
Classification: Benign. Review status: criteria provided, single submitter. Criteria: ACMG Guidelines, 2015. Collection method: not provided. Allele origin: germline. Inheritance: Unknown mechanism. Affected: yes. Not counted in ClinVar's aggregate classification.

PreventionGenetics, part of Exact Sciences
Classification: Benign for MAP2K1-related condition. Last evaluated: 2019-12-17. Review status: no assertion criteria provided. Collection method: clinical testing. Allele origin: germline. Not counted in ClinVar's aggregate classification.
Comment: This variant is classified as benign based on ACMG/AMP sequence variant interpretation guidelines (Richards et al. 2015 PMID: 25741868, with internal and published modifications).